The following is an entry in ClinVar:

NM_194454.3(KRIT1):c.2137A>G (p.Lys713Glu)

Gene: KRIT1 (KRIT1 ankyrin repeat containing; minus strand). Cytogenetic location: 7q21.2.
Variant type: single nucleotide variant.
Coding change: c.2137A>G on transcript NM_194454.3 (MANE Select); coding-DNA position 2137, A replaced by G.
Protein change: p.Lys713Glu; replaces lysine 713 with glutamic acid.
Molecular consequence: missense variant.
Genome position (GRCh38, 1-based): chr7:92,201,312, T>C on the plus strand (A>G on the coding strand, the complement: KRIT1 is on the minus strand). VCF-style: chr7-92201312-T-C. GRCh37 (hg19) VCF-style: chr7-91830626-T-C.
Other names: c.1993A>G, p.Lys665Glu (NM_001013406.2, NM_001350669.1, NM_001350670.1); c.1423A>G, p.Lys475Glu (NM_001350671.1); c.2137A>G, p.Lys713Glu (NM_001350672.1, NM_001350673.1, NM_001350674.1 and 26 more transcripts); short protein forms K665E, K475E, K713E.
Identifiers: ClinVar variation 3535778 (VCV003535778.2).
Genomic context (GRCh38, chr7:92,201,312, plus strand): 5'-AGAAGTAACTTTACTAACACAATAGTTTATGAAGTCCAAAATAAATGATACTTACCTGTT[T>C]TGTATGTACTATAAAGCTCATTTTATTTTCCATGCTATGGATCTGAAAACAAGTATCAGT-3'
Protein context (NP_919436.1, residues 703-723): ENKMSFIVHT[Lys713Glu]QAGLVVKLLM

ClinVar aggregate classification (germline): Uncertain significance (1 of 4 stars; one submission).

Conditions:
Inborn genetic diseases. Identifiers: MedGen C0950123, MeSH D030342.

gnomAD v4.1: 6 of 1,364,462 alleles (0.00044%); highest among the groups gnomAD compares: Admixed American, 0.0067%; no homozygotes.

Submission:

Ambry Genetics
Classification: Uncertain significance for Inborn genetic diseases. Last evaluated: 2025-10-25. Review status: criteria provided, single submitter. Criteria: Ambry Variant Classification Scheme 2023. Collection method: clinical testing. Allele origin: germline.
Comment: The p.K713E variant (also known as c.2137A>G), located in coding exon 15 of the KRIT1 gene, results from an A to G substitution at nucleotide position 2137. The lysine at codon 713 is replaced by glutamic acid, an amino acid with similar properties. This amino acid position is conserved. In addition, this alteration is predicted to be deleterious by in silico analysis. Based on the available evidence, the clinical significance of this variant remains unclear.